The following is an entry in ClinVar:

NM_001365536.1(SCN9A):c.1922A>G (p.Asn641Ser)

Genes: SCN1A-AS1 (SCN1A and SCN9A antisense RNA 1; plus strand), SCN9A (sodium voltage-gated channel alpha subunit 9; minus strand). Cytogenetic location: 2q24.3.
Variant type: single nucleotide variant.
Coding change: c.1922A>G on transcript NM_001365536.1 (MANE Select); coding-DNA position 1922, A replaced by G.
Protein change: p.Asn641Ser; replaces asparagine 641 with serine.
Molecular consequence: missense variant.
Genome position (GRCh38, 1-based): chr2:166,284,505, T>C on the plus strand (A>G on the coding strand, the complement: SCN9A is on the minus strand). VCF-style: chr2-166284505-T-C. GRCh37 (hg19) VCF-style: chr2-167141015-T-C.
Other names: c.1922A>G, p.Asn641Ser (NM_002977.4); short protein forms N641S.
Identifiers: ClinVar variation 538467 (VCV000538467.10), dbSNP rs375858685, ClinGen allele CA1944398.

ClinVar aggregate classification (germline): Uncertain significance. Review status: criteria provided, multiple submitters, no conflicts (2 of 4 stars). 2 submissions from 2 submitters: Uncertain significance (2). Last evaluated 2025-04-17.

Conditions:
Neuropathy, hereditary sensory and autonomic, type 2A (HSAN2A). Also called: ACROOSTEOLYSIS, GIACCAI TYPE; ACROOSTEOLYSIS, NEUROGENIC; MORVAN DISEASE; NEUROPATHY, CONGENITAL SENSORY; NEUROPATHY, HEREDITARY SENSORY RADICULAR, AUTOSOMAL RECESSIVE; NEUROPATHY, HEREDITARY SENSORY, TYPE IIA. Identifiers: Orphanet 970, MedGen C2752089, MONDO:0024309, OMIM 201300.
Generalized epilepsy with febrile seizures plus, type 7 (GEFSP7). Also called: GEFS+, TYPE 7. Identifiers: Orphanet 36387, MedGen C2751778, MONDO:0013470, OMIM 613863.
Inborn genetic diseases. Identifiers: MedGen C0950123, MeSH D030342.

Allele frequency attached by ClinVar (database versions not stated): gnomAD exomes 0.00001 and 0.00007; ExAC 0.00002; gnomAD 0.00002; TOPMed 0.00002; ESP Exome Variant Server 0.00008.
gnomAD v4.1: 101 of 1,613,954 alleles (0.0063%); highest among the groups gnomAD compares: Non-Finnish European, 0.0081%; no homozygotes.

Submissions (2):

Labcorp Genetics (formerly Invitae), Labcorp
Classification: Uncertain significance for Neuropathy, hereditary sensory and autonomic, type 2A; Generalized epilepsy with febrile seizures plus, type 7. Last evaluated: 2025-04-17. Review status: criteria provided, single submitter. Criteria: Invitae Variant Classification Sherloc (09022015). Collection method: clinical testing. Allele origin: germline.
Comment: This sequence change replaces asparagine, which is neutral and polar, with serine, which is neutral and polar, at codon 641 of the SCN9A protein (p.Asn641Ser). This variant is present in population databases (rs375858685, gnomAD 0.007%). This variant has not been reported in the literature in individuals affected with SCN9A-related conditions. ClinVar contains an entry for this variant (Variation ID: 538467). Invitae Evidence Modeling of protein sequence and biophysical properties (such as structural, functional, and spatial information, amino acid conservation, physicochemical variation, residue mobility, and thermodynamic stability) indicates that this missense variant is not expected to disrupt SCN9A protein function with a negative predictive value of 95%. This variant disrupts the p.Asn641 amino acid residue in SCN9A. Other variant(s) that disrupt this residue have been determined to be pathogenic (PMID: 19763161, 31372899). This suggests that this residue is clinically significant, and that variants that disrupt this residue are likely to be disease-causing. In summary, the available evidence is currently insufficient to determine the role of this variant in disease. Therefore, it has been classified as a Variant of Uncertain Significance.

Ambry Genetics
Classification: Uncertain significance for Inborn genetic diseases. Last evaluated: 2023-02-20. Review status: criteria provided, single submitter. Criteria: Ambry Variant Classification Scheme 2023. Collection method: clinical testing. Allele origin: germline.

Literature cited by the submitters: PubMed 19763161 (cited by Labcorp Genetics (formerly Invitae), Labcorp); PubMed 31372899 (cited by Labcorp Genetics (formerly Invitae), Labcorp).